The following is an entry in ClinVar:

ClinVar aggregate classification (germline): Benign. Review status: criteria provided, single submitter (1 of 4 stars). 2 submissions from 1 submitter: Benign (2). Last evaluated 2018-01-13.

Conditions:
Ocular cystinosis. Also called: Non-Nephropathic (Ocular) Cystinosis; Non-Nephropathic Cystinosis. Identifiers: Orphanet 213, Orphanet 411641, MedGen C2931013, MONDO:0009064, OMIM 219750.
Nephropathic cystinosis (CTNS). Also called: CYSTINOSIN, DEFECT OF; LYSOSOMAL CYSTINE TRANSPORT PROTEIN, DEFECT OF; Abderhalden Lignac Kaufmann disease; Abderhalden-Kaufmann-Lignac syndrome. Identifiers: Orphanet 213, Orphanet 411629, MedGen C2931187, MONDO:0100151, OMIM 219800.

Allele frequency attached by ClinVar (database versions not stated): 1000 Genomes Project 0.03994; 1000 Genomes Project 30x 0.04201; gnomAD 0.04593 and 0.04756; TOPMed 0.04660.
gnomAD v4.1: 6,988 of 152,234 alleles (4.6%); highest among the groups gnomAD compares: African/African-American, 8.9%; 231 homozygotes.

Submissions (2):

Illumina Laboratory Services, Illumina
Classification: Benign for Ocular cystinosis. Last evaluated: 2018-01-13. Review status: criteria provided, single submitter. Criteria: ICSL Variant Classification Criteria 13 December 2019. Collection method: clinical testing. Allele origin: germline.
Comment: This variant was observed in the ICSL laboratory as part of a predisposition screen in an ostensibly healthy population. It had not been previously curated by ICSL or reported in the Human Gene Mutation Database (HGMD: prior to June 1st, 2018), and was therefore a candidate for classification through an automated scoring system. Utilizing variant allele frequency, disease prevalence and penetrance estimates, and inheritance mode, an automated score was calculated to assess if this variant is too frequent to cause the disease. Based on the score and internal cut-off values, a variant classified as benign is not then subjected to further curation. The score for this variant resulted in a classification of benign for this disease.

Illumina Laboratory Services, Illumina
Classification: Benign for Nephropathic cystinosis. Last evaluated: 2018-01-13. Review status: criteria provided, single submitter. Criteria: ICSL Variant Classification Criteria 13 December 2019. Collection method: clinical testing. Allele origin: germline.
Comment: the same text as in the submission from Illumina Laboratory Services, Illumina above.

NM_004937.3(CTNS):c.*1665A>G

Gene: CTNS (cystinosin, lysosomal cystine transporter; plus strand). Cytogenetic location: 17p13.2.
Variant type: single nucleotide variant.
Coding change: c.*1665A>G on transcript NM_004937.3 (MANE Select); 1665 bases downstream of the stop codon, A replaced by G.
Molecular consequence: 3 prime UTR variant.
Genome position (GRCh38, 1-based): chr17:3,662,034, A>G. VCF-style: chr17-3662034-A-G. GRCh37 (hg19) VCF-style: chr17-3565328-A-G.
Other names: c.*1300A>G (NM_001031681.3, NM_001374492.1); c.*1665A>G (NM_001374493.1, NM_001374494.1, NM_001374495.1 and 1 more transcripts).
Identifiers: ClinVar variation 322898 (VCV000322898.5), dbSNP rs112317698, ClinGen allele CA10649982.